The following is an entry in ClinVar:

NM_000629.3(IFNAR1):c.532-15A>T

Gene: IFNAR1 (interferon alpha and beta receptor subunit 1; plus strand). Cytogenetic location: 21q22.11.
Variant type: single nucleotide variant.
Coding change: c.532-15A>T on transcript NM_000629.3 (MANE Select); 15 bases into the intron before coding-DNA position 532, A replaced by T.
Molecular consequence: intron variant. On other transcripts: 5 prime UTR variant (1).
Genome position (GRCh38, 1-based): chr21:33,343,520, A>T. VCF-style: chr21-33343520-A-T. GRCh37 (hg19) VCF-style: chr21-34715826-A-T.
Other names: c.-246A>T (NM_001384500.1); c.325-15A>T (NM_001384504.1); c.532-15A>T (NM_001384498.1, NM_001384503.1, NM_001384499.1 and 1 more transcripts); c.70-15A>T (NM_001384502.1).
Identifiers: ClinVar variation 3022947 (VCV003022947.3), dbSNP rs780080317, ClinGen allele CA10006514.

ClinVar aggregate classification (germline): Uncertain significance (1 of 4 stars; one submission).

Allele frequency attached by ClinVar (database versions not stated): gnomAD 0.00001.
gnomAD v4.1: 4 of 1,532,098 alleles (0.00026%); highest among the groups gnomAD compares: Admixed American, 0.0072%; no homozygotes.

Submission:

Labcorp Genetics (formerly Invitae), Labcorp
Classification: Uncertain significance. Last evaluated: 2023-08-24. Review status: criteria provided, single submitter. Criteria: Invitae Variant Classification Sherloc (09022015). Collection method: clinical testing. Allele origin: germline.
Comment: In summary, the available evidence is currently insufficient to determine the role of this variant in disease. Therefore, it has been classified as a Variant of Uncertain Significance. Algorithms developed to predict the effect of sequence changes on RNA splicing suggest that this variant may create or strengthen a splice site. This variant has not been reported in the literature in individuals affected with IFNAR1-related conditions. This variant is present in population databases (rs780080317, gnomAD 0.007%). This sequence change falls in intron 4 of the IFNAR1 gene. It does not directly change the encoded amino acid sequence of the IFNAR1 protein.